The following is an entry in ClinVar:

NM_007294.4(BRCA1):c.4659_4671del (p.Leu1553fs)

Gene: BRCA1 (BRCA1 DNA repair associated; minus strand). Cytogenetic location: 17q21.31.
Variant type: Deletion.
Coding change: c.4659_4671del on transcript NM_007294.4 (MANE Select); coding-DNA positions 4659 to 4671, 13 bases deleted (GCCAAGGCAAGAT).
Protein change: p.Leu1553fs; shifts the reading frame from leucine 1553.
Molecular consequence: frameshift variant. On other transcripts: non-coding transcript variant (1).
Genome position (GRCh38, 1-based): chr17:43,074,335-43,074,347, ATCTTGCCTTGGC deleted on the plus strand (GCCAAGGCAAGAT on the coding strand, the reverse complement: BRCA1 is on the minus strand); deleting any 13 consecutive bases within chr17:43,074,335-43,074,348 gives the same sequence; the c. name uses the placement nearest the transcript's 3' end. VCF-style (leftmost placement, unchanged base first): chr17-43074334-GATCTTGCCTTGGC-G. GRCh37 (hg19) VCF-style: chr17-41226351-GATCTTGCCTTGGC-G.
Other names: c.4514_4526delTGCCAAGGCAAGA, p.Leu1505Phefs (NM_001407740.1, NM_001407741.1, NM_001407742.1 and 21 more transcripts); c.4511_4523delTGCCAAGGCAAGA, p.Leu1504Phefs (NM_001407838.1, NM_001407839.1, NM_001407841.1 and 12 more transcripts); c.4655_4667delTGCCAAGGCAAGA, p.Leu1552Phefs (NM_001407858.1, NM_001407859.1, NM_001407860.1 and 17 more transcripts); c.4652_4664delTGCCAAGGCAAGA, p.Leu1551Phefs (NM_001407861.1, NM_001407627.1, NM_001407628.1 and 14 more transcripts); c.4457_4469delTGCCAAGGCAAGA, p.Leu1486Phefs (NM_001407862.1); c.4532_4544delTGCCAAGGCAAGA, p.Leu1511Phefs (NM_001407863.1, NM_001407670.1, NM_001407671.1 and 11 more transcripts); c.4451_4463delTGCCAAGGCAAGA, p.Leu1484Phefs (NM_001407874.1, NM_001407875.1); c.4658_4670delTGCCAAGGCAAGA, p.Leu1553Phefs (NM_001407854.1, NM_001407593.1, NM_001407594.1 and 8 more transcripts); and 71 more; short protein forms L449fs, L1506fs, L1553fs, L1574fs.
Identifiers: ClinVar variation 2028077 (VCV002028077.4), dbSNP rs2551395033, ClinGen allele CA2580094217.

ClinVar aggregate classification (germline): Pathogenic (1 of 4 stars; one submission).

Conditions:
Hereditary breast ovarian cancer syndrome. Also called: BRCA1- and BRCA2-Associated Hereditary Breast and Ovarian Cancer; Hereditary breast and ovarian cancer; Hereditary breast and ovarian cancer syndrome (HBOC); Breast and ovarian cancer; Hereditary breast and ovarian cancer syndrome; Hereditary breast and/or ovarian cancer syndrome. Identifiers: Orphanet 145, MedGen C0677776, MeSH D061325, MONDO:0003582. Disease mechanism: loss of function.

Submission:

Labcorp Genetics (formerly Invitae), Labcorp
Classification: Pathogenic for Hereditary breast ovarian cancer syndrome. Last evaluated: 2022-08-31. Review status: criteria provided, single submitter. Criteria: Invitae Variant Classification Sherloc (09022015). Collection method: clinical testing. Allele origin: germline.
Comment: This sequence change creates a premature translational stop signal (p.Leu1553Phefs*2) in the BRCA1 gene. It is expected to result in an absent or disrupted protein product. Loss-of-function variants in BRCA1 are known to be pathogenic (PMID: 20104584). This variant is not present in population databases (gnomAD no frequency). This variant has not been reported in the literature in individuals affected with BRCA1-related conditions. For these reasons, this variant has been classified as Pathogenic.

Literature cited by the submitters: PubMed 20104584.